The following is an entry in ClinVar:

ClinVar aggregate classification (germline): Pathogenic (1 of 4 stars; one submission).

Conditions:
Diamond-Blackfan anemia. Also called: Blackfan Diamond syndrome; Aregenerative anemia chronic congenital; Red cell aplasia, pure hereditary; Congenital hypoplastic anemia; Aase syndrome. Identifiers: Orphanet 124, MedGen C1260899, MeSH D029503, MONDO:0015253, HP:0004810.

Submission:

Ambry Genetics
Classification: Pathogenic for Diamond-Blackfan anemia. Last evaluated: 2016-02-05. Review status: criteria provided, single submitter. Criteria: Ambry Variant Classification Scheme 2023. Collection method: clinical testing. Allele origin: germline.
Comment: The c.66_67delAA pathogenic mutation, located in coding exon 2 of the RPS24 gene, results from a deletion of two nucleotides between nucleotide positions 66 and 67, causing a translational frameshift with a predicted alternate stop codon (p.Q22Hfs*4). Since frameshifts are typically deleterious in nature, this alteration is interpreted as a disease-causing mutation (ACMG Recommendations for Standards for Interpretation and Reporting of Sequence Variations. Revision 2007. Genet Med. 2008;10:294).

NM_033022.4(RPS24):c.66_67del (p.Gln22fs)

Gene: RPS24 (ribosomal protein S24; plus strand). Cytogenetic location: 10q22.3.
Variant type: Deletion.
Coding change: c.66_67del on transcript NM_033022.4 (MANE Select); coding-DNA positions 66 to 67, 2 bases deleted (AA; older notation c.66_67delAA).
Protein change: p.Gln22fs; shifts the reading frame from glutamine 22.
Molecular consequence: frameshift variant.
Genome position (GRCh38, 1-based): chr10:78,035,414-78,035,415, AA deleted; deleting any 2 consecutive bases within chr10:78,035,413-78,035,415 gives the same sequence; the c. name uses the placement nearest the transcript's 3' end. VCF-style (leftmost placement, unchanged base first): chr10-78035412-CAA-C. GRCh37 (hg19) VCF-style: chr10-79795170-CAA-C.
Other names: c.66_67del, p.Gln22fs (NM_001026.5, NM_001142282.2, NM_001142283.2 and 2 more transcripts); short protein forms Q22fs.
Identifiers: ClinVar variation 1754419 (VCV001754419.2), dbSNP rs2493280473, ClinGen allele CA2580082000.